The following is an entry in ClinVar:

ClinVar aggregate classification (germline): Conflicting classifications of pathogenicity. Review status: criteria provided, conflicting classifications (1 of 4 stars). 12 submissions from 12 submitters: Uncertain significance (7); Likely benign (2). 3 of the submissions do not count toward it. Last evaluated 2026-08-01.

Conditions:
Charcot-Marie-Tooth disease type 2. Also called: Charcot-Marie-Tooth type 2. Identifiers: Orphanet 64746, MedGen C0270914, MONDO:0018993.
Charcot-Marie-Tooth disease axonal type 2N (CMT2N). Also called: Charcot-Marie-Tooth Neuropathy Type 2N; CHARCOT-MARIE-TOOTH DISEASE, AXONAL, AUTOSOMAL DOMINANT, TYPE 2N; CHARCOT-MARIE-TOOTH NEUROPATHY, AXONAL, TYPE 2N. Identifiers: Orphanet 228174, MedGen C2750090, MONDO:0013212, OMIM 613287.
Inborn genetic diseases. Identifiers: MedGen C0950123, MeSH D030342.
Charcot-Marie-Tooth disease. Also called: Charcot-Marie-Tooth Hereditary Neuropathy; Charcot-Marie-Tooth Neuropathy. Identifiers: Orphanet 166, MedGen C0007959, MONDO:0015626.

Allele frequency attached by ClinVar (database versions not stated): ExAC 0.00007; gnomAD exomes 0.00013 and 0.00023; ESP Exome Variant Server 0.00015; gnomAD 0.00016 and 0.00018; TOPMed 0.00016.
gnomAD v4.1: 359 of 1,614,076 alleles (0.022%); highest among the groups gnomAD compares: Non-Finnish European, 0.029%; no homozygotes.

Submissions (12):

CeGaT Center for Human Genetics Tuebingen
Classification: Uncertain significance. Last evaluated: 2026-08-01. Review status: criteria provided, single submitter. Criteria: CeGaT Center For Human Genetics Tuebingen Variant Classification Criteria Version 2. Collection method: clinical testing. Allele origin: germline. Affected: yes. Observed: 4 variant alleles.
Comment: AARS1: PM2

Labcorp Genetics (formerly Invitae), Labcorp
Classification: Likely benign for Charcot-Marie-Tooth disease type 2. Last evaluated: 2026-01-19. Review status: criteria provided, single submitter. Criteria: Invitae Variant Classification Sherloc (09022015). Collection method: clinical testing. Allele origin: germline.

Mayo Clinic Laboratories, Mayo Clinic
Classification: Uncertain significance. Last evaluated: 2025-07-22. Review status: criteria provided, single submitter. Criteria: ACMG Guidelines, 2015. Collection method: clinical testing. Allele origin: germline. Observed: 2 variant alleles.
Comment: BP4_moderate

ARUP Laboratories, Molecular Genetics and Genomics, ARUP Laboratories
Classification: Uncertain significance. Last evaluated: 2024-11-07. Review status: criteria provided, single submitter. Criteria: ARUP Molecular Germline Variant Investigation Process 2024. Collection method: clinical testing. Allele origin: germline.

Department of Pathology and Laboratory Medicine, Sinai Health System
Classification: Uncertain significance for Charcot-Marie-Tooth disease axonal type 2N. Last evaluated: 2023-01-25. Review status: criteria provided, single submitter. Criteria: ACMG Guidelines, 2015. Collection method: research. Allele origin: germline.

Ambry Genetics
Classification: Likely benign for Inborn genetic diseases. Last evaluated: 2020-03-20. Review status: criteria provided, single submitter. Criteria: Ambry Variant Classification Scheme 2023. Collection method: clinical testing. Allele origin: germline.

Baylor Genetics
Classification: Uncertain significance for Charcot-Marie-Tooth disease axonal type 2N. Last evaluated: 2019-01-03. Review status: criteria provided, single submitter. Criteria: ACMG Guidelines, 2015. Collection method: clinical testing. Allele origin: unknown. Affected: yes.
Comment: This variant was determined to be of uncertain significance according to ACMG Guidelines, 2015 [PMID:25741868].

Breakthrough Genomics
Classification: Uncertain significance. Review status: criteria provided, single submitter. Criteria: ACMG Guidelines, 2015. Collection method: not provided. Allele origin: germline. Inheritance: Autosomal recessive inheritance. Affected: yes.

Molecular Genetics Laboratory, London Health Sciences Centre
Classification: Uncertain significance for Charcot-Marie-Tooth disease. Review status: criteria provided, single submitter. Criteria: ACMG Guidelines, 2015. Collection method: clinical testing. Allele origin: germline. Affected: yes.

Clinical Genetics DNA and cytogenetics Diagnostics Lab, Erasmus MC, Erasmus Medical Center
Classification: Uncertain significance. Review status: no assertion criteria provided. Collection method: clinical testing. Allele origin: germline. Affected: yes. Study: VKGL Data-share Consensus. Not counted in ClinVar's aggregate classification.

Clinical Genetics, Academic Medical Center
Classification: Uncertain significance. Review status: no assertion criteria provided. Collection method: clinical testing. Allele origin: germline. Affected: yes. Study: VKGL Data-share Consensus. Not counted in ClinVar's aggregate classification.

Joint Genome Diagnostic Labs from Nijmegen and Maastricht, Radboudumc and MUMC+
Classification: Uncertain significance. Review status: no assertion criteria provided. Collection method: clinical testing. Allele origin: germline. Affected: yes. Study: VKGL Data-share Consensus. Not counted in ClinVar's aggregate classification.

Literature cited by the submitters: PubMed 25783436 (cited by Mayo Clinic Laboratories, Mayo Clinic); PubMed 32376792 (cited by Mayo Clinic Laboratories, Mayo Clinic).

NM_001605.3(AARS1):c.1019A>G (p.Asn340Ser)

Gene: AARS1 (alanyl-tRNA synthetase 1; minus strand). Cytogenetic location: 16q22.1.
Variant type: single nucleotide variant.
Coding change: c.1019A>G on transcript NM_001605.3 (MANE Select); coding-DNA position 1019, A replaced by G.
Protein change: p.Asn340Ser; replaces asparagine 340 with serine.
Molecular consequence: missense variant.
Genome position (GRCh38, 1-based): chr16:70,268,323, T>C on the plus strand (A>G on the coding strand, the complement: AARS1 is on the minus strand). VCF-style: chr16-70268323-T-C. GRCh37 (hg19) VCF-style: chr16-70302226-T-C.
Other names: p.Asn340Ser; short protein forms N340S.
Identifiers: ClinVar variation 412288 (VCV000412288.53), dbSNP rs140135726, ClinGen allele CA8140950.